The following is an entry in ClinVar:

NM_172107.4(KCNQ2):c.3G>A (p.Met1Ile)

Gene: KCNQ2 (potassium voltage-gated channel subfamily Q member 2; minus strand). Cytogenetic location: 20q13.33.
Variant type: single nucleotide variant.
Coding change: c.3G>A on transcript NM_172107.4 (MANE Select); coding-DNA position 3, G replaced by A.
Protein change: p.Met1Ile; changes the start codon (methionine 1).
Molecular consequence: missense variant, initiator codon variant.
Genome position (GRCh38, 1-based): chr20:63,472,461, C>T on the plus strand (G>A on the coding strand, the complement: KCNQ2 is on the minus strand). VCF-style: chr20-63472461-C-T. GRCh37 (hg19) VCF-style: chr20-62103814-C-T.
Other names: c.3G>A, p.Met1Ile (NM_001382235.1, NM_004518.6, NM_172106.3 and 2 more transcripts); short protein forms M1I.
Identifiers: ClinVar variation 1685900 (VCV001685900.7), dbSNP rs866273848, ClinGen allele CA317424039.

ClinVar aggregate classification (germline): Pathogenic. Review status: criteria provided, multiple submitters, no conflicts (2 of 4 stars). 2 submissions from 2 submitters: Pathogenic (2). Last evaluated 2023-04-14.

Conditions:
Seizures, benign familial neonatal, 1. Also called: Benign Neonatal Epilepsy 1; KCNQ2-Related Self-Limited Familial Neonatal Epilepsy (SLFNE); Seizures, benign neonatal, 1; KCNQ2-Related Benign Familial Neonatal Epilepsy. Identifiers: Orphanet 1949, MedGen C3149074, MONDO:0007365, OMIM 121200.
Early-infantile DEE. Also called: Ohtahara syndrome; Early infantile epileptic encephalopathy with suppression bursts; Early infantile epileptic encephalopathy. Identifiers: Orphanet 1934, MedGen C0393706, MONDO:0800491.

Allele frequency attached by ClinVar (database versions not stated): gnomAD exomes below 0.00001.

Submissions (2):

Labcorp Genetics (formerly Invitae), Labcorp
Classification: Pathogenic for Early-infantile DEE. Last evaluated: 2023-04-14. Review status: criteria provided, single submitter. Criteria: Invitae Variant Classification Sherloc (09022015). Collection method: clinical testing. Allele origin: germline.
Comment: This sequence change affects the initiator methionine of the KCNQ2 mRNA. The next in-frame methionine is located at codon 174. This variant is not present in population databases (gnomAD no frequency). Disruption of the initiator codon has been observed in individual(s) with benign familial neonatal seizures (PMID: 14985406). ClinVar contains an entry for this variant (Variation ID: 1685900). This variant disrupts a region of the KCNQ2 protein in which other variant(s) (p.Arg144Gln) have been determined to be pathogenic (PMID: 23934111, 25740509). This suggests that this is a clinically significant region of the protein, and that variants that disrupt it are likely to be disease-causing. For these reasons, this variant has been classified as Pathogenic.

Mendelics
Classification: Pathogenic for Seizures, benign familial neonatal, 1. Last evaluated: 2022-05-04. Review status: criteria provided, single submitter. Criteria: Mendelics Assertion Criteria 2019. Collection method: clinical testing. Allele origin: germline.

Literature cited by the submitters: PubMed 14985406 (cited by Labcorp Genetics (formerly Invitae), Labcorp); PubMed 23934111 (cited by Labcorp Genetics (formerly Invitae), Labcorp); PubMed 25740509 (cited by Labcorp Genetics (formerly Invitae), Labcorp).